The following is an entry in ClinVar:

NM_001148.6(ANK2):c.5638C>T (p.Pro1880Ser)

Genes: ANK2 (ankyrin 2; plus strand), LOC126807136 (MED14-independent group 3 enhancer GRCh37_chr4:114274931-114276130; plus strand). Cytogenetic location: 4q26.
Variant type: single nucleotide variant.
Coding change: c.5638C>T on transcript NM_001148.6 (MANE Select); coding-DNA position 5638, C replaced by T.
Protein change: p.Pro1880Ser; replaces proline 1880 with serine.
Molecular consequence: missense variant. On other transcripts: intron variant (68).
Genome position (GRCh38, 1-based): chr4:113,354,256, C>T. VCF-style: chr4-113354256-C-T. GRCh37 (hg19) VCF-style: chr4-114275412-C-T.
Other names: c.5404C>T, p.Pro1802Ser (NM_001386142.1); c.2038C>T, p.Pro680Ser (NM_001386166.1); c.5779C>T, p.Pro1927Ser (NM_001386174.1); c.5755C>T, p.Pro1919Ser (NM_001386175.1); c.4411+4007C>T (NM_001386186.2, NM_001386148.2); c.4213+4007C>T (NM_001354269.3); c.4291+4007C>T (NM_001386187.2); c.4252+4007C>T (NM_001386147.1); and 36 more; short protein forms P1802S, P1919S, P1880S, P1927S, P680S.
Identifiers: ClinVar variation 1522141 (VCV001522141.7), dbSNP rs1262224136, ClinGen allele CA357920654.

ClinVar aggregate classification (germline): Uncertain significance. Review status: criteria provided, multiple submitters, no conflicts (2 of 4 stars). 2 submissions from 2 submitters: Uncertain significance (2). Last evaluated 2026-06-01.

Conditions:
Cardiovascular phenotype. Identifiers: MedGen CN230736.
Long QT syndrome (LQTS). Identifiers: MedGen C0023976, MeSH D008133, MONDO:0002442. Disease mechanism: loss of function. Inheritance: Various modes of inheritance.

Allele frequency attached by ClinVar (database versions not stated): gnomAD exomes 0.00001 and below 0.00001.
gnomAD v4.1: 4 of 1,614,124 alleles (0.00025%); highest among the groups gnomAD compares: Admixed American, 0.0033%; no homozygotes.

Submissions (2):

Ambry Genetics
Classification: Uncertain significance for Cardiovascular phenotype. Last evaluated: 2026-06-01. Review status: criteria provided, single submitter. Criteria: Ambry Variant Classification Scheme 2023. Collection method: clinical testing. Allele origin: germline.
Comment: The p.P1880S variant (also known as c.5638C>T), located in coding exon 38 of the ANK2 gene, results from a C to T substitution at nucleotide position 5638. The proline at codon 1880 is replaced by serine, an amino acid with similar properties. This amino acid position is conserved. In addition, this alteration is predicted to be tolerated by in silico analysis. Based on the available evidence, the clinical significance of this variant remains unclear.

Labcorp Genetics (formerly Invitae), Labcorp
Classification: Uncertain significance for Long QT syndrome. Last evaluated: 2023-01-09. Review status: criteria provided, single submitter. Criteria: Invitae Variant Classification Sherloc (09022015). Collection method: clinical testing. Allele origin: germline.
Comment: In summary, the available evidence is currently insufficient to determine the role of this variant in disease. Therefore, it has been classified as a Variant of Uncertain Significance. Advanced modeling of protein sequence and biophysical properties (such as structural, functional, and spatial information, amino acid conservation, physicochemical variation, residue mobility, and thermodynamic stability) performed at Invitae indicates that this missense variant is not expected to disrupt ANK2 protein function. ClinVar contains an entry for this variant (Variation ID: 1522141). This variant has not been reported in the literature in individuals affected with ANK2-related conditions. This variant is present in population databases (no rsID available, gnomAD 0.006%). This sequence change replaces proline, which is neutral and non-polar, with serine, which is neutral and polar, at codon 1880 of the ANK2 protein (p.Pro1880Ser).